The following is an entry in ClinVar:

ClinVar aggregate classification (germline): Conflicting classifications of pathogenicity. Review status: criteria provided, conflicting classifications (1 of 4 stars). 2 submissions from 2 submitters: Uncertain significance (1); Likely benign (1). Last evaluated 2024-04-22.

Conditions:
Tumor predisposition syndrome 3 (TPDS3). Also called: Melanoma, cutaneous malignant, susceptibility to, 10; LONG TELOMERE SYNDROME, POT1-RELATED; POT1 Tumor Predisposition; Glioma susceptibility 9. Identifiers: Orphanet 618, MedGen C4014476, MONDO:0014368, OMIM 615848.
Hereditary cancer-predisposing syndrome. Also called: Tumor predisposition; Neoplastic Syndromes, Hereditary; Hereditary neoplastic syndrome; Hereditary Cancer Syndrome. Identifiers: Orphanet 140162, MedGen C0027672, MeSH D009386, MONDO:0015356.

Submissions (2):

Ambry Genetics
Classification: Likely benign for Hereditary cancer-predisposing syndrome. Last evaluated: 2024-04-22. Review status: criteria provided, single submitter. Criteria: Ambry Variant Classification Scheme 2023. Collection method: clinical testing. Allele origin: germline.

Labcorp Genetics (formerly Invitae), Labcorp
Classification: Uncertain significance for Tumor predisposition syndrome 3. Last evaluated: 2023-01-28. Review status: criteria provided, single submitter. Criteria: Invitae Variant Classification Sherloc (09022015). Collection method: clinical testing. Allele origin: germline.
Comment: This sequence change replaces aspartic acid, which is acidic and polar, with asparagine, which is neutral and polar, at codon 155 of the POT1 protein (p.Asp155Asn). This variant is not present in population databases (gnomAD no frequency). In summary, the available evidence is currently insufficient to determine the role of this variant in disease. Therefore, it has been classified as a Variant of Uncertain Significance. Advanced modeling of protein sequence and biophysical properties (such as structural, functional, and spatial information, amino acid conservation, physicochemical variation, residue mobility, and thermodynamic stability) performed at Invitae indicates that this missense variant is not expected to disrupt POT1 protein function. ClinVar contains an entry for this variant (Variation ID: 579625). This variant has not been reported in the literature in individuals affected with POT1-related conditions.

NM_015450.3(POT1):c.463G>A (p.Asp155Asn)

Gene: POT1 (protection of telomeres 1; minus strand). Cytogenetic location: 7q31.33.
Variant type: single nucleotide variant.
Coding change: c.463G>A on transcript NM_015450.3 (MANE Select); coding-DNA position 463, G replaced by A.
Protein change: p.Asp155Asn; replaces aspartic acid 155 with asparagine.
Molecular consequence: missense variant. On other transcripts: non-coding transcript variant (3).
Genome position (GRCh38, 1-based): chr7:124,863,433, C>T on the plus strand (G>A on the coding strand, the complement: POT1 is on the minus strand). VCF-style: chr7-124863433-C-T. GRCh37 (hg19) VCF-style: chr7-124503487-C-T.
Other names: c.70G>A, p.Asp24Asn (NM_001042594.2); short protein forms D155N, D24N.
Identifiers: ClinVar variation 579625 (VCV000579625.12), dbSNP rs1562993312, ClinGen allele CA369059121.
Genomic context (GRCh38, chr7:124,863,433, plus strand): 5'-CCACTTCTGCTTTGCCCAAGAGCTGACAAGTCAGGTCAAAATACTGCATTGGCTGAACAT[C>T]ACACAATTTTAGTAATGTCCAAGACGGTGACATATGAGTAGATGCCCAAACACGTAAGGC-3'
Protein context (NP_056265.2, residues 145-165): SPSWTLLKLC[Asp155Asn]VQPMQYFDLT